The following is an entry in ClinVar:

ClinVar aggregate classification (germline): Likely pathogenic. Review status: criteria provided, multiple submitters, no conflicts (2 of 4 stars). 2 submissions from 2 submitters: Likely pathogenic (2). Last evaluated 2025-12-02.

Conditions:
RNU2-2 related disorder.
RNU2-2 related neurodevelopmental disorder.

gnomAD v4.1: 4 of 152,214 alleles (0.0026%); highest among the groups gnomAD compares: Non-Finnish European, 0.0044%; no homozygotes.

Submissions (2):

Undiagnosed Diseases Network, NIH
Classification: Likely pathogenic for RNU2-2 related neurodevelopmental disorder. Last evaluated: 2025-12-02. Review status: criteria provided, single submitter. Criteria: ACMG Guidelines, 2015. Collection method: clinical testing. Allele origin: maternal. Inheritance: Autosomal recessive inheritance. Affected: yes. Observed: 1 variant allele, 1 compound heterozygote. Study: Undiagnosed Diseases Network (NIH), UDN.

Institute for Human Genetics, University Hospital Essen
Classification: Likely pathogenic for RNU2-2 related disorder. Last evaluated: 2025-11-27. Review status: criteria provided, single submitter. Criteria: Submitter's publication. Collection method: clinical testing. Allele origin: biparental. Inheritance: Autosomal recessive inheritance. Affected: yes. Observed: 1 variant allele, 1 homozygote.
Comment: PS4_mod, PM1, PM2_supp, PM3, PP1 (criteria rationale detailed in Leitão et al. Nature Genetics 2026)

Literature cited by the submitters: PubMed 40909831 (cited by Undiagnosed Diseases Network, NIH).

NR_199791.1(RNU2-2):n.100T>G

Genes: RNU2-2 (RNA, U2 small nuclear 2; minus strand), WDR74 (WD repeat domain 74; minus strand). Cytogenetic location: 11q12.3.
Variant type: single nucleotide variant.
Molecular consequence: non-coding transcript variant (on NR_199791.1). On other transcripts: 5 prime UTR variant (1).
Genome position: GRCh38 VCF-style: chr11-62841710-A-C. GRCh37 (hg19) VCF-style: chr11-62609182-A-C.
Other names: c.-439T>G (NM_001369451.1).
Identifiers: ClinVar variation 4540501 (VCV004540501.2).
Genomic context (GRCh38, chr11:62,841,710, plus strand): 5'-TACCAGGTCGATGCGTGGAGTGGACGGAGCAAGCTCCTATTCCATCTCCTATTTCCAAAA[A>C]TCCATTTAATATATTGTCCTCGGATAGAGGACGTATCAGATATTAAACTGATAAGAACAG-3'